The following is an entry in ClinVar:

ClinVar aggregate classification (germline): Conflicting classifications of pathogenicity. Review status: criteria provided, conflicting classifications (1 of 4 stars). 6 submissions from 5 submitters: Uncertain significance (5); Likely benign (1). Last evaluated 2026-02-10.

Conditions:
Adams-Oliver syndrome 5 (AOS5). Identifiers: Orphanet 974, MedGen C4014970, MONDO:0014459, OMIM 616028.
Aortic valve disease 1 (AOVD1). Identifiers: MedGen C3887892, MONDO:0024523, OMIM 109730.
Familial thoracic aortic aneurysm and aortic dissection (TAAD). Also called: Thoracic aortic aneurysms and dissections. Identifiers: Orphanet 91387, MedGen C4707243, MONDO:0019625.

Allele frequency attached by ClinVar (database versions not stated): gnomAD exomes 0.00001 and below 0.00001; TOPMed below 0.00001.
gnomAD v4.1: 9 of 1,564,916 alleles (0.00058%); highest among the groups gnomAD compares: Non-Finnish European, 0.00026%; no homozygotes.

Submissions (6):

GeneDx
Classification: Uncertain significance. Last evaluated: 2026-02-10. Review status: criteria provided, single submitter. Criteria: GeneDx Variant Classification Process June 2021. Collection method: clinical testing. Allele origin: germline.
Comment: Reported in a newborn with aortic coarctation in the published literature; however, additional clinical information was not provided (PMID: 30609409); Not observed at significant frequency in large population cohorts (gnomAD); In silico analysis suggests that this missense variant does not alter protein structure/function; This variant is associated with the following publications: (PMID: 30609409)

Labcorp Genetics (formerly Invitae), Labcorp
Classification: Likely benign for Adams-Oliver syndrome 5. Last evaluated: 2025-05-18. Review status: criteria provided, single submitter. Criteria: Invitae Variant Classification Sherloc (09022015). Collection method: clinical testing. Allele origin: germline.

Genome-Nilou Lab
Classification: Uncertain significance for Adams-Oliver syndrome 5. Last evaluated: 2022-03-15. Review status: criteria provided, single submitter. Criteria: ACMG Guidelines, 2015. Collection method: clinical testing. Allele origin: germline. Affected: no.

Genome-Nilou Lab
Classification: Uncertain significance for Aortic valve disease 1. Last evaluated: 2022-03-15. Review status: criteria provided, single submitter. Criteria: ACMG Guidelines, 2015. Collection method: clinical testing. Allele origin: germline. Affected: no.

Ambry Genetics
Classification: Uncertain significance for Familial thoracic aortic aneurysm and aortic dissection. Last evaluated: 2021-09-24. Review status: criteria provided, single submitter. Criteria: Ambry Variant Classification Scheme 2023. Collection method: clinical testing. Allele origin: germline.
Comment: The p.R1627H variant (also known as c.4880G>A), located in coding exon 26 of the NOTCH1 gene, results from a G to A substitution at nucleotide position 4880. The arginine at codon 1627 is replaced by histidine, an amino acid with highly similar properties. This alteration has been reported in a newborn screening cohort (Ceyhan-Birsoy O et al. Am J Hum Genet, 2019 01;104:76-93). This amino acid position is not well conserved in available vertebrate species. In addition, this alteration is predicted to be tolerated by in silico analysis. Since supporting evidence is limited at this time, the clinical significance of this alteration remains unclear.

Laboratory for Molecular Medicine, Mass General Brigham Personalized Medicine
Classification: Uncertain significance. Last evaluated: 2017-08-29. Review status: criteria provided, single submitter. Criteria: LMM Criteria. Collection method: clinical testing. Allele origin: germline. Observed: 2 variant alleles.
Comment: The p.Arg1627His (NM_017617.3 c.4880G>A) variant in NOTCH1 has not been previous ly reported in individuals with congenital heart disease. This variant has been identified in 1/12274 of East Asian chromosomes by the Genome Aggregation Databa se (gnomAD; dbSNP rs946083212). Computational prediction tools and conservation analysis do not provide strong support for or against an impact to the protein. In summary, the clinical significance of the p .Arg1627 variant is uncertain.

Literature cited by the submitters: PubMed 30609409 (cited by Ambry Genetics).

NM_017617.5(NOTCH1):c.4880G>A (p.Arg1627His)

Gene: NOTCH1 (notch receptor 1; minus strand). Cytogenetic location: 9q34.3.
Variant type: single nucleotide variant.
Coding change: c.4880G>A on transcript NM_017617.5 (MANE Select); coding-DNA position 4880, G replaced by A.
Protein change: p.Arg1627His; replaces arginine 1627 with histidine.
Molecular consequence: missense variant.
Genome position (GRCh38, 1-based): chr9:136,504,811, C>T on the plus strand (G>A on the coding strand, the complement: NOTCH1 is on the minus strand). VCF-style: chr9-136504811-C-T. GRCh37 (hg19) VCF-style: chr9-139399263-C-T.
Other names: c.4880G>A, p.Arg1627His (LRG_1122t1); short protein forms R1627H.
Identifiers: ClinVar variation 409067 (VCV000409067.15), dbSNP rs946083212, ClinGen allele CA16612576.